The following is an entry in ClinVar:

ClinVar aggregate classification (germline): Uncertain significance (1 of 4 stars; one submission).

Allele frequency attached by ClinVar (database versions not stated): gnomAD 0.00002; ESP Exome Variant Server 0.00008.
gnomAD v4.1: 16 of 1,614,036 alleles (0.00099%); highest among the groups gnomAD compares: African/African-American, 0.0027%; no homozygotes.

Submission:

Labcorp Genetics (formerly Invitae), Labcorp
Classification: Uncertain significance. Last evaluated: 2021-02-27. Review status: criteria provided, single submitter. Criteria: Invitae Variant Classification Sherloc (09022015). Collection method: clinical testing. Allele origin: germline.
Comment: In summary, the available evidence is currently insufficient to determine the role of this variant in disease. Therefore, it has been classified as a Variant of Uncertain Significance. Algorithms developed to predict the effect of missense changes on protein structure and function (SIFT, PolyPhen-2, Align-GVGD) all suggest that this variant is likely to be disruptive, but these predictions have not been confirmed by published functional studies and their clinical significance is uncertain. This variant has not been reported in the literature in individuals with KLF11-related conditions. This variant is not present in population databases (ExAC no frequency). This sequence change replaces arginine with leucine at codon 437 of the KLF11 protein (p.Arg437Leu). The arginine residue is highly conserved and there is a moderate physicochemical difference between arginine and leucine.

NM_003597.5(KLF11):c.1310G>T (p.Arg437Leu)

Gene: KLF11 (KLF transcription factor 11; plus strand). Cytogenetic location: 2p25.1.
Variant type: single nucleotide variant.
Coding change: c.1310G>T on transcript NM_003597.5 (MANE Select); coding-DNA position 1310, G replaced by T.
Protein change: p.Arg437Leu; replaces arginine 437 with leucine.
Molecular consequence: missense variant.
Genome position (GRCh38, 1-based): chr2:10,052,278, G>T. VCF-style: chr2-10052278-G-T. GRCh37 (hg19) VCF-style: chr2-10192405-G-T.
Other names: c.1259G>T, p.Arg420Leu (NM_001177716.2, NM_001177718.2); short protein forms R437L, R420L.
Identifiers: ClinVar variation 1397851 (VCV001397851.8), dbSNP rs369814305, ClinGen allele CA42434394.